The following is an entry in ClinVar:

NM_176824.3(BBS7):c.863G>A (p.Ser288Asn)

Gene: BBS7 (Bardet-Biedl syndrome 7; minus strand). Cytogenetic location: 4q27.
Variant type: single nucleotide variant.
Coding change: c.863G>A on transcript NM_176824.3 (MANE Select); coding-DNA position 863, G replaced by A.
Protein change: p.Ser288Asn; replaces serine 288 with asparagine.
Molecular consequence: missense variant.
Genome position (GRCh38, 1-based): chr4:121,848,915, C>T on the plus strand (G>A on the coding strand, the complement: BBS7 is on the minus strand). VCF-style: chr4-121848915-C-T. GRCh37 (hg19) VCF-style: chr4-122770070-C-T.
Other names: c.863G>A, p.Ser288Asn (NM_018190.4); short protein forms S288N.
Identifiers: ClinVar variation 961197 (VCV000961197.12), dbSNP rs750276510, ClinGen allele CA3064381.

ClinVar aggregate classification (germline): Uncertain significance. Review status: criteria provided, multiple submitters, no conflicts (2 of 4 stars). 5 submissions from 5 submitters: Uncertain significance (5). Last evaluated 2026-08-19.

Conditions:
Bardet-Biedl syndrome (BBS). Identifiers: Orphanet 110, MedGen C0752166, MONDO:0015229.
BBS7-related disorder. Also called: BBS7-related condition.
Inborn genetic diseases. Identifiers: MedGen C0950123, MeSH D030342.

Allele frequency attached by ClinVar (database versions not stated): ExAC 0.00003; gnomAD 0.00004; TOPMed 0.00004; gnomAD exomes 0.00007 and 0.00012.
gnomAD v4.1: 170 of 1,613,686 alleles (0.011%); highest among the groups gnomAD compares: Non-Finnish European, 0.014%; no homozygotes.

Submissions (5):

PreventionGenetics, part of Exact Sciences
Classification: Uncertain significance for BBS7-related condition. Last evaluated: 2026-08-19. Review status: criteria provided, single submitter. Criteria: ACMG Guidelines, 2015. Collection method: clinical testing. Allele origin: germline.
Comment: The BBS7 c.863G>A variant is predicted to result in the amino acid substitution p.Ser288Asn. To our knowledge, this variant has not been reported in the literature. This variant is reported in 0.015% of alleles in individuals of European (non-Finnish) descent in gnomAD and is consistently classified as uncertain in ClinVar (Variation ID: 961197). At this time, the clinical significance of this variant is uncertain due to the absence of conclusive functional and genetic evidence.

Blueprint Genetics
Classification: Uncertain significance. Last evaluated: 2024-06-14. Review status: criteria provided, single submitter. Criteria: ACMG Guidelines, 2015. Collection method: clinical testing. Allele origin: germline.

Ambry Genetics
Classification: Uncertain significance for Inborn genetic diseases. Last evaluated: 2024-05-21. Review status: criteria provided, single submitter. Criteria: Ambry Variant Classification Scheme 2023. Collection method: clinical testing. Allele origin: germline.

Labcorp Genetics (formerly Invitae), Labcorp
Classification: Uncertain significance for Bardet-Biedl syndrome. Last evaluated: 2023-11-21. Review status: criteria provided, single submitter. Criteria: Invitae Variant Classification Sherloc (09022015). Collection method: clinical testing. Allele origin: germline.
Comment: This sequence change replaces serine, which is neutral and polar, with asparagine, which is neutral and polar, at codon 288 of the BBS7 protein (p.Ser288Asn). This variant is present in population databases (rs750276510, gnomAD 0.02%). This variant has not been reported in the literature in individuals affected with BBS7-related conditions. ClinVar contains an entry for this variant (Variation ID: 961197). Advanced modeling of protein sequence and biophysical properties (such as structural, functional, and spatial information, amino acid conservation, physicochemical variation, residue mobility, and thermodynamic stability) has been performed at Invitae for this missense variant, however the output from this modeling did not meet the statistical confidence thresholds required to predict the impact of this variant on BBS7 protein function. In summary, the available evidence is currently insufficient to determine the role of this variant in disease. Therefore, it has been classified as a Variant of Uncertain Significance.

GeneDx
Classification: Uncertain significance. Last evaluated: 2022-04-22. Review status: criteria provided, single submitter. Criteria: GeneDx Variant Classification Process June 2021. Collection method: clinical testing. Allele origin: germline. Affected: yes.
Comment: In silico analysis supports that this missense variant has a deleterious effect on protein structure/function; Has not been previously published as pathogenic or benign to our knowledge